The following is an entry in ClinVar:

NM_005859.5(PURA):c.264del (p.Ile88fs)

Gene: PURA (purine rich element binding protein A; plus strand). Cytogenetic location: 5q31.3.
Variant type: Deletion.
Coding change: c.264del on transcript NM_005859.5 (MANE Select); coding-DNA position 264, one base deleted (C; older notation c.264delC).
Protein change: p.Ile88fs; shifts the reading frame from isoleucine 88.
Molecular consequence: frameshift variant.
Genome position (GRCh38, 1-based): chr5:140,114,445, C deleted. VCF-style (leftmost placement, unchanged base first): chr5-140114444-TC-T. GRCh37 (hg19) VCF-style: chr5-139494029-TC-T.
Other names: short protein forms I88fs.
Identifiers: ClinVar variation 419271 (VCV000419271.2), dbSNP rs1064793761, ClinGen allele CA16618124.

ClinVar aggregate classification (germline): Pathogenic (1 of 4 stars; one submission).

Submission:

GeneDx
Classification: Pathogenic. Last evaluated: 2015-06-22. Review status: criteria provided, single submitter. Criteria: GeneDx Variant Classification (06012015). Collection method: clinical testing. Allele origin: germline. Affected: yes.
Comment: The c.264delC deletion in the PURA gene has not been reported previously as a pathogenic variantnor as a benign polymorphism, to our knowledge. The c.264delC deletion replaces thelast 235 amino acid residues in the PURA-encoded protein with 136 aberrant residues and is expected toresult in protein truncation and to alter normal protein structure and function. The c.264delC variant wasnot observed in approximately 6500 individuals of European and African American ancestry in the NHLBIExome Sequencing Project, indicating it is not a common benign variant in these populations.We interpret c.264delC as a pathogenic variant.